The following is an entry in ClinVar:

NM_001395891.1(CLASP1):c.196-690G>A

Genes: CLASP1 (cytoplasmic linker associated protein 1; minus strand), CLASP1-AS1 (CLASP1 antisense RNA 1; plus strand), RNU4ATAC (RNA, U4atac small nuclear; plus strand). Cytogenetic location: 2q14.2.
Variant type: single nucleotide variant.
Coding change: c.196-690G>A on transcript NM_001395891.1 (MANE Select); 690 bases into the intron before coding-DNA position 196, G replaced by A.
Molecular consequence: intron variant.
Genome position (GRCh38, 1-based): chr2:121,531,015, C>T on the plus strand (G>A on the coding strand, the complement: CLASP1 is on the minus strand). VCF-style: chr2-121531015-C-T. GRCh37 (hg19) VCF-style: chr2-122288591-C-T.
Other names: c.196-690G>A (NM_001142274.2, NM_015282.3, NM_001378003.1 and 4 more transcripts).
Identifiers: ClinVar variation 3037270 (VCV003037270.2), dbSNP rs562809333, ClinGen allele CA1854755.

ClinVar aggregate classification (germline): Likely benign. Review status: criteria provided, single submitter (1 of 4 stars). 2 submissions from 1 submitter: Likely benign (1). 1 of the submissions does not count toward it. Last evaluated 2022-11-04.

Conditions:
RNU4ATAC-related disorder. Also called: RNU4ATAC-related condition.
CLASP1-related disorder. Also called: CLASP1-related condition.

Allele frequency attached by ClinVar (database versions not stated): 1000 Genomes Project 0.00100; ExAC 0.00205.
gnomAD v4.1: 409 of 700,042 alleles (0.058%); highest among the groups gnomAD compares: South Asian, 0.25%; no homozygotes.

Submissions (2):

PreventionGenetics, part of Exact Sciences
Classification: Likely benign for CLASP1-related condition. Last evaluated: 2022-11-04. Review status: criteria provided, single submitter. Criteria: ACMG Guidelines, 2015. Collection method: clinical testing. Allele origin: germline.
Comment: This variant is classified as likely benign based on ACMG/AMP sequence variant interpretation guidelines (Richards et al. 2015 PMID: 25741868, with internal and published modifications).

PreventionGenetics, part of Exact Sciences
Classification: Likely benign for RNU4ATAC-related condition. Last evaluated: 2022-11-04. Review status: no assertion criteria provided. Collection method: clinical testing. Allele origin: germline. Not counted in ClinVar's aggregate classification.
Comment: the same text as in the submission from PreventionGenetics, part of Exact Sciences above.